The following is an entry in ClinVar:

NM_003079.5(SMARCE1):c.992A>G (p.Glu331Gly)

Gene: SMARCE1 (SWI/SNF related BAF chromatin remodeling complex subunit E1; minus strand). Cytogenetic location: 17q21.2.
Variant type: single nucleotide variant.
Coding change: c.992A>G on transcript NM_003079.5 (MANE Select); coding-DNA position 992, A replaced by G.
Protein change: p.Glu331Gly; replaces glutamic acid 331 with glycine.
Molecular consequence: missense variant.
Genome position (GRCh38, 1-based): chr17:40,630,749, T>C on the plus strand (A>G on the coding strand, the complement: SMARCE1 is on the minus strand). VCF-style: chr17-40630749-T-C. GRCh37 (hg19) VCF-style: chr17-38787001-T-C.
Other names: short protein forms E331G.
Identifiers: ClinVar variation 1962449 (VCV001962449.5), dbSNP rs2508595842, ClinGen allele CA399363254.
Genomic context (GRCh38, chr17:40,630,749, plus strand): 5'-TCTGCGTTTGTTGCTAGTGGGTTACCTGTCTCCATCGGAATGTTCTCGTCGTCTTTCTTC[T>C]CCTCGCCTTTGTTAGCTGCTTGTTCTTCCTCAGGAACGATGCTGCTCTGACTGCGCTCAG-3'
Protein context (NP_003070.3, residues 321-341): EEEQAANKGE[Glu331Gly]KKDDENIPME

ClinVar aggregate classification (germline): Uncertain significance (1 of 4 stars; one submission).

Conditions:
Familial meningioma. Also called: Meningioma, familial, susceptibility to. Identifiers: Orphanet 263662, MedGen C3551915, MONDO:0011789, OMIM 607174.

Submission:

Labcorp Genetics (formerly Invitae), Labcorp
Classification: Uncertain significance for Familial meningioma. Last evaluated: 2022-08-08. Review status: criteria provided, single submitter. Criteria: Invitae Variant Classification Sherloc (09022015). Collection method: clinical testing. Allele origin: germline.
Comment: This variant is not present in population databases (gnomAD no frequency). In summary, the available evidence is currently insufficient to determine the role of this variant in disease. Therefore, it has been classified as a Variant of Uncertain Significance. Algorithms developed to predict the effect of missense changes on protein structure and function (SIFT, PolyPhen-2, Align-GVGD) all suggest that this variant is likely to be tolerated. This variant has not been reported in the literature in individuals affected with SMARCE1-related conditions. This sequence change replaces glutamic acid, which is acidic and polar, with glycine, which is neutral and non-polar, at codon 331 of the SMARCE1 protein (p.Glu331Gly).